The following is an entry in ClinVar:

NM_022489.4(INF2):c.1379C>A (p.Pro460His)

Gene: INF2 (inverted formin 2; plus strand). Cytogenetic location: 14q32.33.
Variant type: single nucleotide variant.
Coding change: c.1379C>A on transcript NM_022489.4 (MANE Select); coding-DNA position 1379, C replaced by A.
Protein change: p.Pro460His; replaces proline 460 with histidine.
Molecular consequence: missense variant. On other transcripts: non-coding transcript variant (1).
Genome position (GRCh38, 1-based): chr14:104,707,646, C>A. VCF-style: chr14-104707646-C-A. GRCh37 (hg19) VCF-style: chr14-105173983-C-A.
Other names: c.1379C>A, p.Pro460His (NM_001031714.4, NM_001426862.1, NM_001426863.1 and 2 more transcripts); short protein forms P460H.
Identifiers: ClinVar variation 3753950 (VCV003753950.2).

ClinVar aggregate classification (germline): Uncertain significance (1 of 4 stars; one submission).

Conditions:
Focal segmental glomerulosclerosis 5 (FSGS5). Identifiers: Orphanet 656, MedGen C2750475, MONDO:0013191, OMIM 613237.
Charcot-Marie-Tooth disease dominant intermediate E. Also called: CHARCOT-MARIE-TOOTH NEUROPATHY WITH FOCAL SEGMENTAL GLOMERULONEPHRITIS. Identifiers: Orphanet 93114, MedGen C4302667, MONDO:0013758, OMIM 614455.

Submission:

Labcorp Genetics (formerly Invitae), Labcorp
Classification: Uncertain significance for Charcot-Marie-Tooth disease dominant intermediate E; Focal segmental glomerulosclerosis 5. Last evaluated: 2024-03-21. Review status: criteria provided, single submitter. Criteria: Invitae Variant Classification Sherloc (09022015). Collection method: clinical testing. Allele origin: germline.
Comment: This sequence change replaces proline, which is neutral and non-polar, with histidine, which is basic and polar, at codon 460 of the INF2 protein (p.Pro460His). This variant is not present in population databases (gnomAD no frequency). This variant has not been reported in the literature in individuals affected with INF2-related conditions. Advanced modeling of protein sequence and biophysical properties (such as structural, functional, and spatial information, amino acid conservation, physicochemical variation, residue mobility, and thermodynamic stability) has been performed at Invitae for this missense variant, however the output from this modeling did not meet the statistical confidence thresholds required to predict the impact of this variant on INF2 protein function. In summary, the available evidence is currently insufficient to determine the role of this variant in disease. Therefore, it has been classified as a Variant of Uncertain Significance.